The following is an entry in ClinVar:

ClinVar aggregate classification (germline): Pathogenic (1 of 4 stars; one submission).

Conditions:
Coffin-Siris syndrome 1 (CSS1). Also called: Mental retardation, autosomal dominant 12; ARID1B-Related Coffin-Siris Syndrome. Identifiers: Orphanet 1465, MedGen C3281201, MONDO:0007617, OMIM 135900. Disease mechanism: gain of function.

Submission:

3billion
Classification: Pathogenic for Coffin-Siris syndrome 1. Review status: criteria provided, single submitter. Criteria: ACMG Guidelines, 2015. Collection method: clinical testing. Allele origin: unknown. Affected: yes. Observed: 1 heterozygote.
Comment: The variant is not observed in the gnomAD v2.1.1 dataset. The variant is predicted to result in a loss or disruption of normal protein function through nonsense-mediated decay (NMD) or protein truncation. Multiple pathogenic variants are reported downstream of the variant. The variant has been reported to be associated with ARID1B related disorder (PMID: 30459321). Therefore, this variant is classified as Pathogenic according to the recommendation of ACMG/AMP guideline.

Literature cited by the submitters: PubMed 30459321.

NM_001374828.1(ARID1B):c.3813C>G (p.Tyr1271Ter)

Gene: ARID1B (AT-rich interaction domain 1B; plus strand). Cytogenetic location: 6q25.3.
Variant type: single nucleotide variant.
Coding change: c.3813C>G on transcript NM_001374828.1 (MANE Select); coding-DNA position 3813, C replaced by G.
Protein change: p.Tyr1271Ter; replaces tyrosine 1271 with a stop codon.
Molecular consequence: nonsense.
Genome position (GRCh38, 1-based): chr6:157,184,329, C>G. VCF-style: chr6-157184329-C-G. GRCh37 (hg19) VCF-style: chr6-157505463-C-G.
Other names: c.3564C>G, p.Tyr1188Ter (NM_001346813.1); c.1314C>G, p.Tyr438Ter (NM_001363725.2); c.3693C>G, p.Tyr1231Ter (NM_001371656.1, NM_001374820.1); c.3654C>G, p.Tyr1218Ter (NM_017519.3); c.3444C>G, p.Tyr1148Ter (NM_020732.3); c.3231C>G, p.Tyr1077Ter (NM_175863.2); short protein forms Y1077*, Y1148*, Y1188*, Y1218*, Y1231*, Y1271*, Y438*.
Identifiers: ClinVar variation 2572434 (VCV002572434.1), dbSNP rs2128325330, ClinGen allele CA366230393.